The following is an entry in ClinVar:

ClinVar aggregate classification (germline): Uncertain significance. Review status: criteria provided, multiple submitters, no conflicts (2 of 4 stars). 2 submissions from 2 submitters: Uncertain significance (2). Last evaluated 2025-12-08.

Conditions:
Hereditary cancer-predisposing syndrome. Also called: Hereditary neoplastic syndrome; Neoplastic Syndromes, Hereditary; Hereditary Cancer Syndrome; Tumor predisposition. Identifiers: Orphanet 140162, MedGen C0027672, MeSH D009386, MONDO:0015356.
Gastrointestinal stromal tumor. Also called: Gastrointestinal stromal tumor, somatic; Gastrointestinal stroma tumor. Identifiers: Orphanet 44890, MedGen C0238198, MeSH D046152, MONDO:0011719, OMIM 606764, HP:0100723.

Allele frequency attached by ClinVar (database versions not stated): gnomAD exomes below 0.00001.
gnomAD v4.1: 2 of 1,612,734 alleles (0.00012%); highest among the groups gnomAD compares: Non-Finnish European, 0.00017%; no homozygotes.

Submissions (2):

Labcorp Genetics (formerly Invitae), Labcorp
Classification: Uncertain significance for Gastrointestinal stromal tumor. Last evaluated: 2025-12-08. Review status: criteria provided, single submitter. Criteria: Invitae Variant Classification Sherloc (09022015). Collection method: clinical testing. Allele origin: germline.
Comment: This sequence change replaces asparagine, which is neutral and polar, with serine, which is neutral and polar, at codon 352 of the KIT protein (p.Asn352Ser). This variant is not present in population databases (gnomAD no frequency). This variant has not been reported in the literature in individuals affected with KIT-related conditions. ClinVar contains an entry for this variant (Variation ID: 566201). An algorithm developed to predict the effect of missense changes on protein structure and function (PolyPhen-2) suggests that this variant is likely to be tolerated. In summary, the available evidence is currently insufficient to determine the role of this variant in disease. Therefore, it has been classified as a Variant of Uncertain Significance.

Ambry Genetics
Classification: Uncertain significance for Hereditary cancer-predisposing syndrome. Last evaluated: 2025-03-08. Review status: criteria provided, single submitter. Criteria: Ambry Variant Classification Scheme 2023. Collection method: clinical testing. Allele origin: germline.
Comment: The p.N352S variant (also known as c.1055A>G), located in coding exon 6 of the KIT gene, results from an A to G substitution at nucleotide position 1055. The asparagine at codon 352 is replaced by serine, an amino acid with highly similar properties. This amino acid position is conserved. In addition, this alteration is predicted to be tolerated by in silico analysis. Since supporting evidence is limited at this time, the clinical significance of this alteration remains unclear.

NM_000222.3(KIT):c.1055A>G (p.Asn352Ser)

Gene: KIT (KIT proto-oncogene, receptor tyrosine kinase; plus strand). Cytogenetic location: 4q12.
Variant type: single nucleotide variant.
Coding change: c.1055A>G on transcript NM_000222.3 (MANE Select); coding-DNA position 1055, A replaced by G.
Protein change: p.Asn352Ser; replaces asparagine 352 with serine.
Molecular consequence: missense variant.
Genome position (GRCh38, 1-based): chr4:54,707,227, A>G. VCF-style: chr4-54707227-A-G. GRCh37 (hg19) VCF-style: chr4-55573393-A-G.
Other names: c.1055A>G, p.Asn352Ser (NM_001093772.2, NM_001385285.1, NM_001385286.1); c.1058A>G, p.Asn353Ser (NM_001385284.1, NM_001385288.1, NM_001385290.1 and 1 more transcripts); short protein forms N352S, N353S.
Identifiers: ClinVar variation 566201 (VCV000566201.10), dbSNP rs1560402002, ClinGen allele CA356901062.
Genomic context (GRCh38, chr4:54,707,227, plus strand): 5'-ATTTGATTGTTGAATATGAAGCATTCCCCAAACCTGAACACCAGCAGTGGATCTATATGA[A>G]CAGAACCTTCACTGATAAATGGGAAGATTATCCCAAGTCTGAGAATGAAAGTAATATCAG-3'
Protein context (NP_000213.1, residues 342-362): KPEHQQWIYM[Asn352Ser]RTFTDKWEDY